The following is an entry in ClinVar:

NM_025132.4(WDR19):c.535T>C (p.Ser179Pro)

Gene: WDR19 (WD repeat domain 19; plus strand). Cytogenetic location: 4p14.
Variant type: single nucleotide variant.
Coding change: c.535T>C on transcript NM_025132.4 (MANE Select); coding-DNA position 535, T replaced by C.
Protein change: p.Ser179Pro; replaces serine 179 with proline.
Molecular consequence: missense variant.
Genome position (GRCh38, 1-based): chr4:39,203,654, T>C. VCF-style: chr4-39203654-T-C. GRCh37 (hg19) VCF-style: chr4-39205274-T-C.
Other names: c.55T>C, p.Ser19Pro (NM_001317924.2); short protein forms S179P, S19P.
Identifiers: ClinVar variation 2096795 (VCV002096795.4), dbSNP rs2475075512, ClinGen allele CA356633384.
Genomic context (GRCh38, chr4:39,203,654, plus strand): 5'-ATTTAAATATTGGGTTTGTTCATAGTGATGATGTTTTTACTCCTTTAGACACAAGTGAGA[T>C]CAGAGCCTAGCAACATGCAGTTTTTCTTGATGAAGATGGATGACCGAACCTCTGCTGCTG-3'
Protein context (NP_079408.3, residues 169-189): GDTIRQTQVR[Ser179Pro]EPSNMQFFLM

ClinVar aggregate classification (germline): Uncertain significance (1 of 4 stars; one submission).

Conditions:
Asphyxiating thoracic dystrophy 5 (SRTD5). Also called: SHORT-RIB THORACIC DYSPLASIA 5 WITH OR WITHOUT POLYDACTYLY; SHORT-RIB THORACIC DYSPLASIA 5 WITHOUT POLYDACTYLY. Identifiers: Orphanet 474, MedGen C3280598, MONDO:0013717, OMIM 614376.
Senior-Loken syndrome 8 (SLSN8). Identifiers: Orphanet 3156, MedGen C4225376, MONDO:0014579, OMIM 616307.

Submission:

Labcorp Genetics (formerly Invitae), Labcorp
Classification: Uncertain significance for Senior-Loken syndrome 8; Asphyxiating thoracic dystrophy 5. Last evaluated: 2022-02-11. Review status: criteria provided, single submitter. Criteria: Invitae Variant Classification Sherloc (09022015). Collection method: clinical testing. Allele origin: germline.
Comment: In summary, the available evidence is currently insufficient to determine the role of this variant in disease. Therefore, it has been classified as a Variant of Uncertain Significance. Algorithms developed to predict the effect of missense changes on protein structure and function (SIFT, PolyPhen-2, Align-GVGD) all suggest that this variant is likely to be tolerated. This variant has not been reported in the literature in individuals affected with WDR19-related conditions. This variant is not present in population databases (gnomAD no frequency). This sequence change replaces serine, which is neutral and polar, with proline, which is neutral and non-polar, at codon 179 of the WDR19 protein (p.Ser179Pro).